The following is an entry in ClinVar:

ClinVar aggregate classification (germline): Uncertain significance (1 of 4 stars; one submission).

Conditions:
Early Myoclonic Encephalopathy. Identifiers: MedGen C0270855.

Allele frequency attached by ClinVar (database versions not stated): TOPMed below 0.00001.

Submission:

Labcorp Genetics (formerly Invitae), Labcorp
Classification: Uncertain significance for Early Myoclonic Encephalopathy. Last evaluated: 2023-07-07. Review status: criteria provided, single submitter. Criteria: Invitae Variant Classification Sherloc (09022015). Collection method: clinical testing. Allele origin: germline.
Comment: This sequence change replaces glutamic acid, which is acidic and polar, with glycine, which is neutral and non-polar, at codon 594 of the JMJD1C protein (p.Glu594Gly). This variant is not present in population databases (gnomAD no frequency). This variant has not been reported in the literature in individuals affected with JMJD1C-related conditions. ClinVar contains an entry for this variant (Variation ID: 962559). An algorithm developed to predict the effect of missense changes on protein structure and function (PolyPhen-2) suggests that this variant is likely to be disruptive. In summary, the available evidence is currently insufficient to determine the role of this variant in disease. Therefore, it has been classified as a Variant of Uncertain Significance.

NM_032776.3(JMJD1C):c.1781A>G (p.Glu594Gly)

Gene: JMJD1C (jumonji domain containing 1C; minus strand). Cytogenetic location: 10q21.3.
Variant type: single nucleotide variant.
Coding change: c.1781A>G on transcript NM_032776.3 (MANE Select); coding-DNA position 1781, A replaced by G.
Protein change: p.Glu594Gly; replaces glutamic acid 594 with glycine.
Molecular consequence: missense variant. On other transcripts: non-coding transcript variant (1).
Genome position (GRCh38, 1-based): chr10:63,214,386, T>C on the plus strand (A>G on the coding strand, the complement: JMJD1C is on the minus strand). VCF-style: chr10-63214386-T-C. GRCh37 (hg19) VCF-style: chr10-64974146-T-C.
Other names: c.1235A>G, p.Glu412Gly (NM_001282948.2, NM_001318154.2); c.917A>G, p.Glu306Gly (NM_001318153.2); c.1667A>G, p.Glu556Gly (NM_001322252.2); c.1124A>G, p.Glu375Gly (NM_001322254.2, NM_001322258.2); short protein forms E306G, E594G, E375G, E412G, E556G.
Identifiers: ClinVar variation 962559 (VCV000962559.9), dbSNP rs1847718295, ClinGen allele CA377047722.